The following is an entry in ClinVar:

NM_020794.2:c.4531A>G

Gene: LRRC7 (leucine rich repeat containing 7; plus strand).
Variant type: single nucleotide variant.
Identifiers: ClinVar variation 4278746 (VCV004278746.1).

ClinVar aggregate classification (germline): Uncertain significance (1 of 4 stars; one submission).

Submission:

GeneDx
Classification: Uncertain significance. Last evaluated: 2025-04-02. Review status: criteria provided, single submitter. Criteria: GeneDx Variant Classification Process June 2021. Collection method: clinical testing. Allele origin: germline. Affected: yes.
Comment: Not observed at significant frequency in large population cohorts (gnomAD); In silico analysis indicates that this missense variant does not alter protein structure/function; Has not been previously published as pathogenic or benign to our knowledge